The following is an entry in ClinVar:

NM_002439.5(MSH3):c.1255T>G (p.Ser419Ala)

Gene: MSH3 (mutS homolog 3; plus strand). Cytogenetic location: 5q14.1.
Variant type: single nucleotide variant.
Coding change: c.1255T>G on transcript NM_002439.5 (MANE Select); coding-DNA position 1255, T replaced by G.
Protein change: p.Ser419Ala; replaces serine 419 with alanine.
Molecular consequence: missense variant.
Genome position (GRCh38, 1-based): chr5:80,679,008, T>G. VCF-style: chr5-80679008-T-G. GRCh37 (hg19) VCF-style: chr5-79974827-T-G.
Other names: short protein forms S419A.
Identifiers: ClinVar variation 5024782 (VCV005024782.1).

ClinVar aggregate classification (germline): Uncertain significance (1 of 4 stars; one submission).

Conditions:
Hereditary cancer-predisposing syndrome. Also called: Neoplastic Syndromes, Hereditary; Tumor predisposition; Hereditary neoplastic syndrome; Hereditary Cancer Syndrome. Identifiers: Orphanet 140162, MedGen C0027672, MeSH D009386, MONDO:0015356.

Submission:

Ambry Genetics
Classification: Uncertain significance for Hereditary cancer-predisposing syndrome. Last evaluated: 2026-07-06. Review status: criteria provided, single submitter. Criteria: Ambry Variant Classification Scheme 2023. Collection method: clinical testing. Allele origin: germline.
Comment: The p.S419A variant (also known as c.1255T>G), located in coding exon 8 of the MSH3 gene, results from a T to G substitution at nucleotide position 1255. The serine at codon 419 is replaced by alanine, an amino acid with similar properties. This amino acid position is conserved. In addition, this alteration is predicted to be tolerated by in silico analysis. Based on the available evidence, the clinical significance of this variant remains unclear.